The following is an entry in ClinVar:

ClinVar aggregate classification (germline): Uncertain significance. Review status: criteria provided, single submitter (1 of 4 stars). 2 submissions from 1 submitter: Uncertain significance (2).

Conditions:
Maturity-onset diabetes of the young (MODY). Also called: Maturity onset diabetes mellitus in young. Identifiers: Orphanet 552, MedGen C0342276, MONDO:0018911, HP:0004904.
Transitory neonatal diabetes mellitus. Also called: Transient neonatal diabetes mellitus. Identifiers: MedGen C0342273, MONDO:0020525, HP:0008255.

Allele frequency attached by ClinVar (database versions not stated): ExAC 0.00002.
gnomAD v4.1: 7 of 1,614,064 alleles (0.00043%); highest among the groups gnomAD compares: Non-Finnish European, 0.00059%; no homozygotes.

Submissions (2):

Clinical Genomics, Uppaluri K&H Personalized Medicine Clinic
Classification: Uncertain significance for Transitory neonatal diabetes mellitus. Review status: criteria provided, single submitter. Criteria: K & H Uppaluri Personalized Medicine Clinic Variant Classification & Assertion Criteria_Updated V.1. Collection method: research. Allele origin: somatic. Inheritance: Somatic mutation.
Comment: Mutations in ABCC8 gene are associated with both neonatal diabetes mellitus as well as MODY. Patients with this mutation may have a better response to sulfonylureas. However, no sufficient evidence is found to ascertain the role of this particular variant ( rs142155036) in neonatal diabetes yet.

Clinical Genomics, Uppaluri K&H Personalized Medicine Clinic
Classification: Uncertain significance for Maturity-onset diabetes of the young. Review status: criteria provided, single submitter. Criteria: K & H Uppaluri Personalized Medicine Clinic Variant Classification & Assertion Criteria_Updated V.1. Collection method: research. Allele origin: somatic. Inheritance: Somatic mutation.
Comment: Mutations in ABCC8 gene are associated with both neonatal diabetes mellitus as well as MODY. Patients with this mutation may have a better response to sulfonylureas. However, no sufficient evidence is found to ascertain the role of this particular variant ( rs142155036) in MODY yet.

Literature cited by the submitters: PubMed 16885549; PubMed 21989597; PubMed 27538677; PubMed 18981553; PubMed 32027066; PubMed 16613899; PubMed 18025408; PubMed 32792356.

NM_000352.6(ABCC8):c.3516C>A (p.Ile1172=)

Gene: ABCC8 (ATP binding cassette subfamily C member 8; minus strand). Cytogenetic location: 11p15.1.
Variant type: single nucleotide variant.
Coding change: c.3516C>A on transcript NM_000352.6 (MANE Select); coding-DNA position 3516, C replaced by A.
Protein change: p.Ile1172=; no amino-acid change (isoleucine 1172 retained).
Molecular consequence: synonymous variant. On other transcripts: non-coding transcript variant (1).
Genome position (GRCh38, 1-based): chr11:17,404,553, G>T on the plus strand (C>A on the coding strand, the complement: ABCC8 is on the minus strand). VCF-style: chr11-17404553-G-T. GRCh37 (hg19) VCF-style: chr11-17426100-G-T.
Other names: c.3519C>A, p.Ile1173= (NM_001287174.3); c.3582C>A, p.Ile1194= (NM_001351295.2); c.3516C>A, p.Ile1172= (NM_001351296.2); c.3513C>A, p.Ile1171= (NM_001351297.2).
Identifiers: ClinVar variation 1684496 (VCV001684496.1), dbSNP rs142155036, ClinGen allele CA5902789.